The following is an entry in ClinVar:

ClinVar aggregate classification (germline): Uncertain significance (1 of 4 stars; one submission).

Conditions:
Myofibrillar myopathy 5. Also called: Filaminopathy (type); FILAMINOPATHY, AUTOSOMAL DOMINANT. Identifiers: Orphanet 171445, MedGen C1836050, MONDO:0012289, OMIM 609524.
Distal myopathy with posterior leg and anterior hand involvement. Also called: WILLIAMS DISTAL MYOPATHY. Identifiers: Orphanet 63273, MedGen C3279722, MONDO:0013550, OMIM 614065.
Hypertrophic cardiomyopathy 26. Also called: Cardiomyopathy, familial hypertrophic, 26. Identifiers: Orphanet 75249, MedGen C4310749, MONDO:0014883, OMIM 617047.

Submission:

Labcorp Genetics (formerly Invitae), Labcorp
Classification: Uncertain significance for Distal myopathy with posterior leg and anterior hand involvement; Myofibrillar myopathy 5; Hypertrophic cardiomyopathy 26. Last evaluated: 2022-11-14. Review status: criteria provided, single submitter. Criteria: Invitae Variant Classification Sherloc (09022015). Collection method: clinical testing. Allele origin: germline.
Comment: This sequence change replaces serine, which is neutral and polar, with isoleucine, which is neutral and non-polar, at codon 1161 of the FLNC protein (p.Ser1161Ile). Information on the frequency of this variant in the gnomAD database is not available, as this variant may be reported differently in the database. In summary, the available evidence is currently insufficient to determine the role of this variant in disease. Therefore, it has been classified as a Variant of Uncertain Significance. This variant has not been reported in the literature in individuals affected with FLNC-related conditions. Algorithms developed to predict the effect of missense changes on protein structure and function are either unavailable or do not agree on the potential impact of this missense change (SIFT: "Not Available"; PolyPhen-2: "Probably Damaging"; Align-GVGD: "Not Available").

NM_001458.5(FLNC):c.3482_3483delinsTC (p.Ser1161Ile)

Gene: FLNC (filamin C; plus strand). Cytogenetic location: 7q32.1.
Variant type: Indel.
Coding change: c.3482_3483delinsTC on transcript NM_001458.5 (MANE Select); coding-DNA positions 3482 to 3483, GT replaced by TC.
Protein change: p.Ser1161Ile; replaces serine 1161 with isoleucine.
Molecular consequence: missense variant.
Genome position (GRCh38, 1-based): chr7:128,844,947-128,844,948, GT replaced by TC. VCF-style: chr7-128844947-GT-TC. GRCh37 (hg19) VCF-style: chr7-128485001-GT-TC.
Other names: c.3482_3483delinsTC, p.Ser1161Ile (NM_001127487.2); short protein forms S1161I.
Identifiers: ClinVar variation 1963251 (VCV001963251.5), dbSNP rs2536637802, ClinGen allele CA2580076614.
Genomic context (GRCh38, chr7:128,844,947, plus strand): 5'-CTGGCTCGCCCTTCAAAGCCACCATTCGGCCTGTGTTTGACCCGAGCAAGGTGCGGGCCA[GT>TC]GGACCGGGCCTGGAGCGCGGCAAGGTCGGTGAGGCAGCCACCTTCACTGTGGACTGCTCA-3'
Protein context (NP_001449.3, residues 1151-1171): PVFDPSKVRA[Ser1161Ile]GPGLERGKVG